The following is an entry in ClinVar:

NM_001040108.2(MLH3):c.292G>A (p.Ala98Thr)

Gene: MLH3 (mutL homolog 3; minus strand). Cytogenetic location: 14q24.3.
Variant type: single nucleotide variant.
Coding change: c.292G>A on transcript NM_001040108.2 (MANE Select); coding-DNA position 292, G replaced by A.
Protein change: p.Ala98Thr; replaces alanine 98 with threonine.
Molecular consequence: missense variant.
Genome position (GRCh38, 1-based): chr14:75,049,364, C>T on the plus strand (G>A on the coding strand, the complement: MLH3 is on the minus strand). VCF-style: chr14-75049364-C-T. GRCh37 (hg19) VCF-style: chr14-75516067-C-T.
Other names: c.292G>A, p.Ala98Thr (NM_014381.3); short protein forms A98T.
Identifiers: ClinVar variation 3655861 (VCV003655861.2).

ClinVar aggregate classification (germline): Uncertain significance (1 of 4 stars; one submission).

Conditions:
Colorectal cancer, hereditary nonpolyposis, type 7. Identifiers: Orphanet 144, MedGen C1858380, MONDO:0013725, OMIM 614385.

Submission:

Labcorp Genetics (formerly Invitae), Labcorp
Classification: Uncertain significance for Colorectal cancer, hereditary nonpolyposis, type 7. Last evaluated: 2024-06-08. Review status: criteria provided, single submitter. Criteria: Invitae Variant Classification Sherloc (09022015). Collection method: clinical testing. Allele origin: germline.
Comment: This sequence change replaces alanine, which is neutral and non-polar, with threonine, which is neutral and polar, at codon 98 of the MLH3 protein (p.Ala98Thr). This variant is not present in population databases (gnomAD no frequency). This variant has not been reported in the literature in individuals affected with MLH3-related conditions. An algorithm developed to predict the effect of missense changes on protein structure and function (PolyPhen-2) suggests that this variant is likely to be disruptive. In summary, the available evidence is currently insufficient to determine the role of this variant in disease. Therefore, it has been classified as a Variant of Uncertain Significance.